The following is an entry in ClinVar:

ClinVar aggregate classification (germline): Uncertain significance (1 of 4 stars; one submission).

gnomAD v4.1: 7 of 1,612,388 alleles (0.00043%); highest among the groups gnomAD compares: African/African-American, 0.0013%; no homozygotes.

Submission:

Labcorp Genetics (formerly Invitae), Labcorp
Classification: Uncertain significance. Last evaluated: 2025-11-05. Review status: criteria provided, single submitter. Criteria: Invitae Variant Classification Sherloc (09022015). Collection method: clinical testing. Allele origin: germline.
Comment: This sequence change replaces methionine, which is neutral and non-polar, with valine, which is neutral and non-polar, at codon 328 of the CTNNB1 protein (p.Met328Val). This variant is not present in population databases (gnomAD no frequency). This variant has not been reported in the literature in individuals affected with CTNNB1-related conditions. Invitae Evidence Modeling of protein sequence and biophysical properties (such as structural, functional, and spatial information, amino acid conservation, physicochemical variation, residue mobility, and thermodynamic stability) indicates that this missense variant is expected to disrupt CTNNB1 protein function with a positive predictive value of 80%. In summary, the available evidence is currently insufficient to determine the role of this variant in disease. Therefore, it has been classified as a Variant of Uncertain Significance.

NM_001904.4(CTNNB1):c.982A>G (p.Met328Val)

Gene: CTNNB1 (catenin beta 1; plus strand). Cytogenetic location: 3p22.1.
Variant type: single nucleotide variant.
Coding change: c.982A>G on transcript NM_001904.4 (MANE Select); coding-DNA position 982, A replaced by G.
Protein change: p.Met328Val; replaces methionine 328 with valine.
Molecular consequence: missense variant.
Genome position (GRCh38, 1-based): chr3:41,227,253, A>G. VCF-style: chr3-41227253-A-G. GRCh37 (hg19) VCF-style: chr3-41268744-A-G.
Other names: c.982A>G, p.Met328Val (NM_001098209.2, NM_001098210.2, NM_001438871.1 and 4 more transcripts); c.961A>G, p.Met321Val (NM_001330729.2); short protein forms M328V, M321V.
Identifiers: ClinVar variation 4761941 (VCV004761941.1).